The following is an entry in ClinVar:

NM_006885.4(ZFHX3):c.8848C>T (p.Arg2950Cys)

Genes: ZFHX3 (zinc finger homeobox 3; minus strand), ZFHX3-AS1 (ZFHX3 antisense RNA 1; plus strand). Cytogenetic location: 16q22.2.
Variant type: single nucleotide variant.
Coding change: c.8848C>T on transcript NM_006885.4 (MANE Select); coding-DNA position 8848, C replaced by T.
Protein change: p.Arg2950Cys; replaces arginine 2950 with cysteine.
Molecular consequence: missense variant.
Genome position (GRCh38, 1-based): chr16:72,793,834, G>A on the plus strand (C>T on the coding strand, the complement: ZFHX3 is on the minus strand). VCF-style: chr16-72793834-G-A. GRCh37 (hg19) VCF-style: chr16-72827733-G-A.
Other names: c.6106C>T, p.Arg2036Cys (NM_001164766.2); c.8848C>T, p.Arg2950Cys (NM_001386735.1); short protein forms R2036C, R2950C.
Identifiers: ClinVar variation 3776433 (VCV003776433.1).

ClinVar aggregate classification (germline): Uncertain significance (1 of 4 stars; one submission).

gnomAD v4.1: 6 of 1,614,006 alleles (0.00037%); highest among the groups gnomAD compares: Admixed American, 0.0017%; no homozygotes.

Submission:

GeneDx
Classification: Uncertain significance. Last evaluated: 2024-09-26. Review status: criteria provided, single submitter. Criteria: GeneDx Variant Classification Process June 2021. Collection method: clinical testing. Allele origin: germline. Affected: yes.
Comment: Not observed at significant frequency in large population cohorts (gnomAD); In silico analysis supports that this missense variant has a deleterious effect on protein structure/function; Has not been previously published as pathogenic or benign to our knowledge